The following is an entry in ClinVar:

ClinVar aggregate classification (germline): Uncertain significance. Review status: criteria provided, multiple submitters, no conflicts (2 of 4 stars). 5 submissions from 5 submitters: Uncertain significance (4). 1 of the submissions does not count toward it. Last evaluated 2025-06-09.

Conditions:
Late-infantile neuronal ceroid lipofuscinosis. Also called: Jansky-Bielschowsky disease. Identifiers: MedGen C0022340, MONDO:0015674.
Neuronal ceroid lipofuscinosis 7 (CLN7). Also called: MFSD8-Related Neuronal Ceroid-Lipofuscinosis. Identifiers: Orphanet 168491, Orphanet 228366, MedGen C1838571, MONDO:0012588, OMIM 610951.
Macular dystrophy with central cone involvement (CCMD). Identifiers: MedGen C4015371, MONDO:0014515, OMIM 616170.

Allele frequency attached by ClinVar (database versions not stated): TOPMed 0.00003.
gnomAD v4.1: 2 of 1,613,628 alleles (0.00012%); highest among the groups gnomAD compares: African/African-American, 0.0013%; no homozygotes.

Submissions (5):

Labcorp Genetics (formerly Invitae), Labcorp
Classification: Uncertain significance for Neuronal ceroid lipofuscinosis 7. Last evaluated: 2025-06-09. Review status: criteria provided, single submitter. Criteria: Invitae Variant Classification Sherloc (09022015). Collection method: clinical testing. Allele origin: germline.
Comment: This sequence change replaces glutamic acid, which is acidic and polar, with lysine, which is basic and polar, at codon 336 of the MFSD8 protein (p.Glu336Lys). This variant is present in population databases (no rsID available, gnomAD 0.0009%). This missense change has been observed in individual(s) with Macular dystrophy with central cone involvement (PMID: 35457110). ClinVar contains an entry for this variant (Variation ID: 284230). Invitae Evidence Modeling of protein sequence and biophysical properties (such as structural, functional, and spatial information, amino acid conservation, physicochemical variation, residue mobility, and thermodynamic stability) indicates that this missense variant is not expected to disrupt MFSD8 protein function with a negative predictive value of 80%. In summary, the available evidence is currently insufficient to determine the role of this variant in disease. Therefore, it has been classified as a Variant of Uncertain Significance.

3billion
Classification: Uncertain significance for Neuronal ceroid lipofuscinosis 7. Last evaluated: 2025-01-22. Review status: criteria provided, single submitter. Criteria: ACMG Guidelines, 2015. Collection method: clinical testing. Allele origin: germline. Affected: yes.
Comment: The variant is observed at an extremely low frequency in the gnomAD v4.1.0 dataset (total allele frequency: <0.001%). Predicted Consequence/Location: Missense variant. The majority of the known disease-causing variants of this gene are variants expected to result in premature termination of the protein. In silico tool predictions suggest damaging effect of the variant on gene or gene product [REVEL: 0.63 (>=0.6, sensitivity 0.68 and specificity 0.92); 3Cnet: 0.00 (>=0.6, sensitivity 0.72 and precision 0.9)]. A different missense change at the same codon (p.Glu336Gln) has been reported as pathogenic/likely pathogenic with strong evidence (ClinVar ID: VCV000162378 /PMID: 25227500). Therefore, this variant is classified as VUS according to the recommendation of ACMG/AMP guideline.

Eurofins Ntd Llc (ga)
Classification: Uncertain significance. Last evaluated: 2015-11-16. Review status: criteria provided, single submitter. Criteria: EGL Classification Definitions 2015. Collection method: clinical testing. Allele origin: germline. Observed: 1 variant allele, 1 heterozygote.

Juno Genomics, Hangzhou Juno Genomics, Inc
Classification: Uncertain significance for Neuronal ceroid lipofuscinosis 7; Macular dystrophy with central cone involvement. Review status: criteria provided, single submitter. Criteria: ACMG Guidelines, 2015. Collection method: clinical testing. Allele origin: germline.
Comment: Absent from controls (or at extremely low frequency if recessive) in Genome Aggregation Database.;For recessive disorders, detected in trans with a pathogenic variant.

Natera, Inc.
Classification: Uncertain significance for Late-infantile neuronal ceroid lipofuscinosis. Last evaluated: 2020-02-26. Review status: no assertion criteria provided. Collection method: clinical testing. Allele origin: germline. Not counted in ClinVar's aggregate classification.

Literature cited by the submitters: PubMed 35457110 (cited by Labcorp Genetics (formerly Invitae), Labcorp); PubMed 25227500 (cited by 3billion).

NM_001371596.2(MFSD8):c.1006G>A (p.Glu336Lys)

Gene: MFSD8 (major facilitator superfamily domain containing 8; minus strand). Cytogenetic location: 4q28.2.
Variant type: single nucleotide variant.
Coding change: c.1006G>A on transcript NM_001371596.2 (MANE Select); coding-DNA position 1006, G replaced by A.
Protein change: p.Glu336Lys; replaces glutamic acid 336 with lysine.
Molecular consequence: missense variant.
Genome position (GRCh38, 1-based): chr4:127,921,956, C>T on the plus strand (G>A on the coding strand, the complement: MFSD8 is on the minus strand). VCF-style: chr4-127921956-C-T. GRCh37 (hg19) VCF-style: chr4-128843111-C-T.
Other names: c.805G>A, p.Glu269Lys (NM_001363520.3); c.691G>A, p.Glu231Lys (NM_001363521.3); c.871G>A, p.Glu291Lys (NM_001371590.2); c.1006G>A, p.Glu336Lys (NM_001371591.2, NM_152778.4); c.1012G>A, p.Glu338Lys (NM_001371592.2); c.892G>A, p.Glu298Lys (NM_001371593.2); c.859G>A, p.Glu287Lys (NM_001371594.2); c.724G>A, p.Glu242Lys (NM_001371595.1); and 1 more; short protein forms E336K, E231K, E269K, E242K, E287K, E291K, E298K, E338K.
Identifiers: ClinVar variation 284230 (VCV000284230.14), dbSNP rs150418024, ClinGen allele CA10604727.